The following is an entry in ClinVar:

NM_024675.4(PALB2):c.2719del (p.Glu907fs)

Gene: PALB2 (partner and localizer of BRCA2; minus strand). Cytogenetic location: 16p12.2.
Variant type: Deletion.
Coding change: c.2719del on transcript NM_024675.4 (MANE Select); coding-DNA position 2719, one base deleted (G; older notation c.2719delG).
Protein change: p.Glu907fs; shifts the reading frame from glutamic acid 907.
Molecular consequence: frameshift variant.
Genome position (GRCh38, 1-based): chr16:23,626,265, C deleted on the plus strand (G on the coding strand, the reverse complement: PALB2 is on the minus strand); the first of 3 consecutive C bases (chr16:23,626,265-23,626,267); deleting any one gives the same sequence. VCF-style (leftmost placement, unchanged base first): chr16-23626264-TC-T. GRCh37 (hg19) VCF-style: chr16-23637585-TC-T.
Other names: c.2719delG (NM_024675.3, NM_024675.4).
Identifiers: ClinVar variation 481004 (VCV000481004.24), dbSNP rs1555459934, ClinGen allele CA658658403.

ClinVar aggregate classification (germline): Pathogenic/Likely pathogenic. Review status: criteria provided, multiple submitters, no conflicts (2 of 4 stars). 7 submissions from 7 submitters: Pathogenic (6); Likely pathogenic (1). Last evaluated 2025-03-04.

Conditions:
Hereditary cancer-predisposing syndrome. Also called: Hereditary Cancer Syndrome; Neoplastic Syndromes, Hereditary; Tumor predisposition; Hereditary neoplastic syndrome. Identifiers: Orphanet 140162, MedGen C0027672, MeSH D009386, MONDO:0015356.
PALB2-related cancer predisposition. Identifiers: MedGen CN377761, MONDO:0700272.
Familial cancer of breast. Also called: Hereditary breast cancer; BREAST CANCER, FAMILIAL; hereditary breast carcinoma. Identifiers: Orphanet 227535, MedGen C0346153, MONDO:0016419, OMIM 114480. Disease mechanism: loss of function.

Submissions (7):

Center for Genomic Medicine, Rigshospitalet, Copenhagen University Hospital
Classification: Pathogenic. Last evaluated: 2025-03-04. Review status: criteria provided, single submitter. Criteria: ACMG Guidelines, 2015. Collection method: clinical testing. Allele origin: germline.

Labcorp Genetics (formerly Invitae), Labcorp
Classification: Pathogenic for Familial cancer of breast. Last evaluated: 2025-02-05. Review status: criteria provided, single submitter. Criteria: Invitae Variant Classification Sherloc (09022015). Collection method: clinical testing. Allele origin: germline.
Comment: This sequence change creates a premature translational stop signal (p.Glu907Lysfs*16) in the PALB2 gene. It is expected to result in an absent or disrupted protein product. Loss-of-function variants in PALB2 are known to be pathogenic (PMID: 17200668, 17200671, 17200672, 24136930, 25099575). This variant is not present in population databases (gnomAD no frequency). This variant has not been reported in the literature in individuals affected with PALB2-related conditions. ClinVar contains an entry for this variant (Variation ID: 481004). RNA analysis performed to evaluate the impact of this premature translational stop signal on mRNA splicing indicates it does not significantly alter splicing (internal data). For these reasons, this variant has been classified as Pathogenic.

Quest Diagnostics Nichols Institute San Juan Capistrano
Classification: Likely pathogenic. Last evaluated: 2024-08-08. Review status: criteria provided, single submitter. Criteria: Quest Diagnostics criteria. Collection method: clinical testing. Allele origin: unknown.
Comment: The PALB2 c.2719del (p.Glu907Lysfs*16) variant alters the translational reading frame of the PALB2 mRNA and is predicted to cause the premature termination of PALB2 protein synthesis. This variant has been reported in the published literature in a large breast cancer association study in an individual with breast cancer (PMID: 33471991 (2021), see also LOVD). This variant has not been reported in large, multi-ethnic general populations (Genome Aggregation Database). Based on the available information, this variant is classified as likely pathogenic.

Myriad Genetics, Inc.
Classification: Pathogenic for Familial cancer of breast. Last evaluated: 2023-09-13. Review status: criteria provided, single submitter. Criteria: Myriad Autosomal Dominant, Autosomal Recessive and X-Linked Classification Criteria (2023). Collection method: clinical testing. Allele origin: unknown.
Comment: This variant is considered pathogenic. This variant creates a frameshift predicted to result in premature protein truncation.

Color Diagnostics, LLC DBA Color Health
Classification: Pathogenic for Hereditary cancer-predisposing syndrome. Last evaluated: 2022-03-14. Review status: criteria provided, single submitter. Criteria: ACMG Guidelines, 2015. Collection method: clinical testing. Allele origin: germline.
Comment: This variant deletes 1 nucleotide in exon 7 of the PALB2 gene, creating a frameshift and premature translation stop signal. This variant is expected to result in an absent or non-functional protein product. To our knowledge, this variant has not been reported in individuals affected with hereditary cancer in the literature. This variant has not been identified in the general population by the Genome Aggregation Database (gnomAD). Loss of PALB2 function is a known mechanism of disease. Based on the available evidence, this variant is classified as Pathogenic.

Ambry Genetics
Classification: Pathogenic for Hereditary cancer-predisposing syndrome. Last evaluated: 2020-10-27. Review status: criteria provided, single submitter. Criteria: Ambry Variant Classification Scheme 2023. Collection method: clinical testing. Allele origin: germline.
Comment: The c.2719delG pathogenic mutation, located in coding exon 7 of the PALB2 gene, results from a deletion of one nucleotide at nucleotide position 2719, causing a translational frameshift with a predicted alternate stop codon (p.E907Kfs*16). This alteration is expected to result in loss of function by premature protein truncation or nonsense-mediated mRNA decay. As such, this alteration is interpreted as a disease-causing mutation.

University Health Network, Familial Cancer Clinic, Princess Margaret Cancer Centre
Classification: Pathogenic for PALB2-related cancer predisposition. Review status: criteria provided, single submitter. Criteria: ACMG Guidelines, 2015. Collection method: clinical testing. Allele origin: germline. Inheritance: Autosomal dominant inheritance. Affected: yes. Observed: 1 variant allele.

Literature cited by the submitters: PubMed 17200668 (cited by Labcorp Genetics (formerly Invitae), Labcorp); PubMed 17200671 (cited by Labcorp Genetics (formerly Invitae), Labcorp); PubMed 17200672 (cited by Labcorp Genetics (formerly Invitae), Labcorp); PubMed 24136930 (cited by Labcorp Genetics (formerly Invitae), Labcorp); PubMed 25099575 (cited by Labcorp Genetics (formerly Invitae), Labcorp); PubMed 33471991 (cited by Quest Diagnostics Nichols Institute San Juan Capistrano).